The following is an entry in ClinVar:

NM_004380.3(CREBBP):c.2426G>T (p.Gly809Val)

Gene: CREBBP (CREB binding lysine acetyltransferase; minus strand). Cytogenetic location: 16p13.3.
Variant type: single nucleotide variant.
Coding change: c.2426G>T on transcript NM_004380.3 (MANE Select); coding-DNA position 2426, G replaced by T.
Protein change: p.Gly809Val; replaces glycine 809 with valine.
Molecular consequence: missense variant.
Genome position (GRCh38, 1-based): chr16:3,773,788, C>A on the plus strand (G>T on the coding strand, the complement: CREBBP is on the minus strand). VCF-style: chr16-3773788-C-A. GRCh37 (hg19) VCF-style: chr16-3823789-C-A.
Other names: c.2312G>T, p.Gly771Val (NM_001079846.1); short protein forms G771V, G809V.
Identifiers: ClinVar variation 4992314 (VCV004992314.1).

ClinVar aggregate classification (germline): Uncertain significance (1 of 4 stars; one submission).

Conditions:
CREBBP-related disorder. Also called: CREBBP-related condition; CREBBP-related disorders.

Submission:

PreventionGenetics, part of Exact Sciences
Classification: Uncertain significance for CREBBP-related condition. Last evaluated: 2025-12-08. Review status: criteria provided, single submitter. Criteria: ACMG Guidelines, 2015. Collection method: clinical testing. Allele origin: germline.
Comment: The CREBBP c.2426G>T variant is predicted to result in the amino acid substitution p.Gly809Val. To our knowledge, this variant has not been reported in the literature or in a large population database (gnomAD), indicating this variant is rare. At this time, the clinical significance of this variant is uncertain due to the absence of conclusive functional and genetic evidence.